The following is an entry in ClinVar:

NM_004036.5(ADCY3):c.1822A>G (p.Thr608Ala)

Gene: ADCY3 (adenylate cyclase 3; minus strand). Cytogenetic location: 2p23.3.
Variant type: single nucleotide variant.
Coding change: c.1822A>G on transcript NM_004036.5 (MANE Select); coding-DNA position 1822, A replaced by G.
Protein change: p.Thr608Ala; replaces threonine 608 with alanine.
Molecular consequence: missense variant.
Genome position (GRCh38, 1-based): chr2:24,834,630, T>C on the plus strand (A>G on the coding strand, the complement: ADCY3 is on the minus strand). VCF-style: chr2-24834630-T-C. GRCh37 (hg19) VCF-style: chr2-25057499-T-C.
Other names: c.1822A>G, p.Thr608Ala (NM_001320613.2, NM_001377129.1, NM_001377130.1 and 1 more transcripts); c.1888A>G, p.Thr630Ala (NM_001377128.1); c.1099A>G, p.Thr367Ala (NM_001377131.1); short protein forms T367A, T608A, T630A.
Identifiers: ClinVar variation 3350935 (VCV003350935.1).
Genomic context (GRCh38, chr2:24,834,630, plus strand): 5'-TCTCCACCGAGTAGCGGGTTTCCATCTCGGGGTCCATGAACCGCATGGACAAGAGGAAGG[T>C]GTTTCTCTTCTTTACTCTGCAGTGGGAACAAGCCCCATGAATCCCAAATGCCACATCTGC-3'
Protein context (NP_004027.2, residues 598-618): ESAQVVKKRN[Thr608Ala]FLLSMRFMDP

ClinVar aggregate classification (germline): Uncertain significance (0 of 4 stars; one submission).

Conditions:
ADCY3-related disorder. Also called: ADCY3-related condition.

Submission:

PreventionGenetics, part of Exact Sciences
Classification: Uncertain significance for ADCY3-related condition. Last evaluated: 2023-11-10. Review status: no assertion criteria provided. Collection method: clinical testing. Allele origin: germline.
Comment: The ADCY3 c.1822A>G variant is predicted to result in the amino acid substitution p.Thr608Ala. To our knowledge, this variant has not been reported in the literature or in a large population database, indicating this variant is rare. At this time, the clinical significance of this variant is uncertain due to the absence of conclusive functional and genetic evidence.